The following is an entry in ClinVar:

ClinVar aggregate classification (germline): Uncertain significance (1 of 4 stars; one submission).

Conditions:
Hereditary spastic paraplegia 64. Also called: Spastic paraplegia 64, autosomal recessive; ENTPD1-Related Neurodevelopmental Disorder. Identifiers: Orphanet 401810, MedGen C3810289, MONDO:0014303, OMIM 615683.

Allele frequency attached by ClinVar (database versions not stated): gnomAD 0.00001; gnomAD exomes 0.00001 and 0.00002; ExAC 0.00002; TOPMed 0.00002.
gnomAD v4.1: 20 of 1,614,102 alleles (0.0012%); highest among the groups gnomAD compares: Non-Finnish European, 0.0015%; no homozygotes.

Submission:

Labcorp Genetics (formerly Invitae), Labcorp
Classification: Uncertain significance for Hereditary spastic paraplegia 64. Last evaluated: 2022-02-03. Review status: criteria provided, single submitter. Criteria: Invitae Variant Classification Sherloc (09022015). Collection method: clinical testing. Allele origin: germline.
Comment: This sequence change replaces glutamine, which is neutral and polar, with arginine, which is basic and polar, at codon 164 of the ENTPD1 protein (p.Gln164Arg). This variant is present in population databases (rs748573011, gnomAD 0.005%). This variant has not been reported in the literature in individuals affected with ENTPD1-related conditions. ClinVar contains an entry for this variant (Variation ID: 855823). Algorithms developed to predict the effect of missense changes on protein structure and function output the following: SIFT: "Tolerated"; PolyPhen-2: "Benign"; Align-GVGD: "Class C0". The arginine amino acid residue is found in multiple mammalian species, which suggests that this missense change does not adversely affect protein function. In summary, the available evidence is currently insufficient to determine the role of this variant in disease. Therefore, it has been classified as a Variant of Uncertain Significance.

NM_001776.6(ENTPD1):c.491A>G (p.Gln164Arg)

Genes: ENTPD1-AS1 (ENTPD1 antisense RNA 1; minus strand), ENTPD1 (ectonucleoside triphosphate diphosphohydrolase 1; plus strand). Cytogenetic location: 10q24.1.
Variant type: single nucleotide variant.
Coding change: c.491A>G on transcript NM_001776.6 (MANE Select); coding-DNA position 491, A replaced by G.
Protein change: p.Gln164Arg; replaces glutamine 164 with arginine.
Molecular consequence: missense variant.
Genome position (GRCh38, 1-based): chr10:95,844,553, A>G. VCF-style: chr10-95844553-A-G. GRCh37 (hg19) VCF-style: chr10-97604310-A-G.
Other names: c.512A>G, p.Gln171Arg (NM_001098175.2); c.527A>G, p.Gln176Arg (NM_001164178.1, NM_001320916.1); c.491A>G, p.Gln164Arg (NM_001164179.2); c.167A>G, p.Gln56Arg (NM_001164181.1, NM_001312654.1); c.77A>G, p.Gln26Arg (NM_001164182.2, NM_001164183.2); short protein forms Q176R, Q164R, Q56R, Q171R, Q26R.
Identifiers: ClinVar variation 855823 (VCV000855823.7), dbSNP rs748573011, ClinGen allele CA5621415.